The following is an entry in ClinVar:

ClinVar aggregate classification (germline): Uncertain significance (1 of 4 stars; one submission).

Conditions:
Hypertrophic cardiomyopathy. Also called: HYPERTROPHIC MYOCARDIOPATHY. Identifiers: Orphanet 217569, MedGen C0007194, MeSH D002312, MONDO:0005045, HP:0001639.

gnomAD v4.1: 4 of 1,613,582 alleles (0.00025%); highest among the groups gnomAD compares: East Asian, 0.0045%; no homozygotes.

Submission:

Labcorp Genetics (formerly Invitae), Labcorp
Classification: Uncertain significance for Hypertrophic cardiomyopathy. Last evaluated: 2025-02-27. Review status: criteria provided, single submitter. Criteria: Invitae Variant Classification Sherloc (09022015). Collection method: clinical testing. Allele origin: germline.
Comment: This sequence change replaces arginine, which is basic and polar, with cysteine, which is neutral and slightly polar, at codon 53 of the MYOZ2 protein (p.Arg53Cys). This variant is present in population databases (rs758181218, gnomAD 0.003%). This variant has not been reported in the literature in individuals affected with MYOZ2-related conditions. Invitae Evidence Modeling of protein sequence and biophysical properties (such as structural, functional, and spatial information, amino acid conservation, physicochemical variation, residue mobility, and thermodynamic stability) indicates that this missense variant is expected to disrupt MYOZ2 protein function with a positive predictive value of 80%. In summary, the available evidence is currently insufficient to determine the role of this variant in disease. Therefore, it has been classified as a Variant of Uncertain Significance.

NM_016599.5(MYOZ2):c.157C>T (p.Arg53Cys)

Gene: MYOZ2 (myozenin 2; plus strand). Cytogenetic location: 4q26.
Variant type: single nucleotide variant.
Coding change: c.157C>T on transcript NM_016599.5 (MANE Select); coding-DNA position 157, C replaced by T.
Protein change: p.Arg53Cys; replaces arginine 53 with cysteine.
Molecular consequence: missense variant.
Genome position (GRCh38, 1-based): chr4:119,150,952, C>T. VCF-style: chr4-119150952-C-T. GRCh37 (hg19) VCF-style: chr4-120072107-C-T.
Other names: c.157C>T, p.Arg53Cys (NM_001440645.1, NM_001440646.1); short protein forms R53C.
Identifiers: ClinVar variation 4808205 (VCV004808205.1).